The following is an entry in ClinVar:

NM_032043.3(BRIP1):c.1943T>C (p.Val648Ala)

Gene: BRIP1 (BRCA1 interacting DNA helicase 1; minus strand). Cytogenetic location: 17q23.2.
Variant type: single nucleotide variant.
Coding change: c.1943T>C on transcript NM_032043.3 (MANE Select); coding-DNA position 1943, T replaced by C.
Protein change: p.Val648Ala; replaces valine 648 with alanine.
Molecular consequence: missense variant.
Genome position (GRCh38, 1-based): chr17:61,776,555, A>G on the plus strand (T>C on the coding strand, the complement: BRIP1 is on the minus strand). VCF-style: chr17-61776555-A-G. GRCh37 (hg19) VCF-style: chr17-59853916-A-G.
Other names: short protein forms V648A.
Identifiers: ClinVar variation 3759058 (VCV003759058.2).
Genomic context (GRCh38, chr17:61,776,555, plus strand): 5'-TCAGTATTCTGGAAGGTAGCACAGAGATTCCGACCCTTGGGGCCTGACCCAATGGTACCA[A>G]CCCAAACCTAGAATATGAATATGTCATTATTAGAGTTATGCCTGAAAAAGGCATGGAAAT-3'
Protein context (NP_114432.2, residues 638-658): NHIIKNSQVW[Val648Ala]GTIGSGPKGR

ClinVar aggregate classification (germline): Uncertain significance (1 of 4 stars; one submission).

Conditions:
Fanconi anemia complementation group J. Also called: BRIP1-Related Fanconi Anemia. Identifiers: Orphanet 84, MedGen C1836860, MONDO:0012187, OMIM 609054.
Familial cancer of breast. Also called: BREAST CANCER, FAMILIAL; Hereditary breast cancer; hereditary breast carcinoma. Identifiers: Orphanet 227535, MedGen C0346153, MONDO:0016419, OMIM 114480. Disease mechanism: loss of function.

Submission:

Labcorp Genetics (formerly Invitae), Labcorp
Classification: Uncertain significance for Familial cancer of breast; Fanconi anemia complementation group J. Last evaluated: 2024-10-09. Review status: criteria provided, single submitter. Criteria: Invitae Variant Classification Sherloc (09022015). Collection method: clinical testing. Allele origin: germline.
Comment: This sequence change replaces valine, which is neutral and non-polar, with alanine, which is neutral and non-polar, at codon 648 of the BRIP1 protein (p.Val648Ala). This variant is not present in population databases (gnomAD no frequency). This variant has not been reported in the literature in individuals affected with BRIP1-related conditions. Invitae Evidence Modeling of protein sequence and biophysical properties (such as structural, functional, and spatial information, amino acid conservation, physicochemical variation, residue mobility, and thermodynamic stability) has been performed for this missense variant. However, the output from this modeling did not meet the statistical confidence thresholds required to predict the impact of this variant on BRIP1 protein function. In summary, the available evidence is currently insufficient to determine the role of this variant in disease. Therefore, it has been classified as a Variant of Uncertain Significance.